The following is an entry in ClinVar:

ClinVar aggregate classification (germline): Pathogenic. Review status: criteria provided, multiple submitters, no conflicts (2 of 4 stars). 2 submissions from 2 submitters: Pathogenic (2). Last evaluated 2024-05-08.

Conditions:
Hereditary cancer-predisposing syndrome. Also called: Tumor predisposition; Neoplastic Syndromes, Hereditary; Hereditary neoplastic syndrome; Hereditary Cancer Syndrome. Identifiers: Orphanet 140162, MedGen C0027672, MeSH D009386, MONDO:0015356.
Familial cancer of breast. Also called: Hereditary breast cancer; BREAST CANCER, FAMILIAL; hereditary breast carcinoma. Identifiers: Orphanet 227535, MedGen C0346153, MONDO:0016419, OMIM 114480. Disease mechanism: loss of function.
Fanconi anemia complementation group J. Also called: BRIP1-Related Fanconi Anemia. Identifiers: Orphanet 84, MedGen C1836860, MONDO:0012187, OMIM 609054.

Submissions (2):

Ambry Genetics
Classification: Pathogenic for Hereditary cancer-predisposing syndrome. Last evaluated: 2024-05-08. Review status: criteria provided, single submitter. Criteria: Ambry Variant Classification Scheme 2023. Collection method: clinical testing. Allele origin: germline.
Comment: The c.1256_1278dup23 pathogenic mutation, located in coding exon 8 of the BRIP1 gene, results from a duplication of GGGATGAACTAGATAGTATGGTC at nucleotide position 1256, causing a translational frameshift with a predicted alternate stop codon (p.N427Gfs*4). This variant is considered to be rare based on population cohorts in the Genome Aggregation Database (gnomAD). This alteration is expected to result in loss of function by premature protein truncation or nonsense-mediated mRNA decay. As such, this alteration is interpreted as a disease-causing mutation.

Labcorp Genetics (formerly Invitae), Labcorp
Classification: Pathogenic for Familial cancer of breast; Fanconi anemia complementation group J. Last evaluated: 2020-02-09. Review status: criteria provided, single submitter. Criteria: Invitae Variant Classification Sherloc (09022015). Collection method: clinical testing. Allele origin: germline.
Comment: For these reasons, this variant has been classified as Pathogenic. Loss-of-function variants in BRIP1 are known to be pathogenic (PMID: 16116423, 17033622, 21964575). Algorithms developed to predict the effect of sequence changes on RNA splicing suggest that this variant may create or strengthen a splice site, but this prediction has not been confirmed by published transcriptional studies. This variant has not been reported in the literature in individuals with BRIP1-related conditions. This variant is not present in population databases (ExAC no frequency). This sequence change creates a premature translational stop signal (p.Asn427Glyfs*4) in the BRIP1 gene. It is expected to result in an absent or disrupted protein product.

Literature cited by the submitters: PubMed 16116423 (cited by Labcorp Genetics (formerly Invitae), Labcorp); PubMed 17033622 (cited by Labcorp Genetics (formerly Invitae), Labcorp); PubMed 21964575 (cited by Labcorp Genetics (formerly Invitae), Labcorp).

NM_032043.3(BRIP1):c.1256_1278dup (p.Asn427delinsGlyMetAsnTer)

Gene: BRIP1 (BRCA1 interacting DNA helicase 1; minus strand). Cytogenetic location: 17q23.2.
Variant type: Duplication.
Coding change: c.1256_1278dup on transcript NM_032043.3 (MANE Select); coding-DNA positions 1256 to 1278, 23 bases duplicated (GGGATGAACTAGATAGTATGGTC).
Protein change: p.Asn427delinsGlyMetAsnTer.
Molecular consequence: nonsense.
Genome position (GRCh38, 1-based): chr17:61,799,162-61,799,184, GACCATACTATCTAGTTCATCCC duplicated on the plus strand (GGGATGAACTAGATAGTATGGTC on the coding strand, the reverse complement: BRIP1 is on the minus strand); duplicating any 23 consecutive bases within chr17:61,799,162-61,799,186 gives the same sequence; the c. name uses the placement nearest the transcript's 3' end. VCF-style (leftmost placement, unchanged base first): chr17-61799161-T-TGACCATACTATCTAGTTCATCCC. GRCh37 (hg19) VCF-style: chr17-59876522-T-TGACCATACTATCTAGTTCATCCC.
Other names: c.1256_1278dupGGGATGAACTAGATAGTATGGTC (NM_032043.2).
Identifiers: ClinVar variation 1070540 (VCV001070540.9), dbSNP rs2077948208, ClinGen allele CA2269178654.